The following is an entry in ClinVar:

NM_001371928.1(AHDC1):c.3289G>A (p.Glu1097Lys)

Gene: AHDC1 (AT-hook DNA binding motif containing 1; minus strand). Cytogenetic location: 1p36.11.
Variant type: single nucleotide variant.
Coding change: c.3289G>A on transcript NM_001371928.1 (MANE Select); coding-DNA position 3289, G replaced by A.
Protein change: p.Glu1097Lys; replaces glutamic acid 1097 with lysine.
Molecular consequence: missense variant.
Genome position (GRCh38, 1-based): chr1:27,548,827, C>T on the plus strand (G>A on the coding strand, the complement: AHDC1 is on the minus strand). VCF-style: chr1-27548827-C-T. GRCh37 (hg19) VCF-style: chr1-27875338-C-T.
Other names: c.3289G>A, p.Glu1097Lys (NM_001029882.3); short protein forms E1097K.
Identifiers: ClinVar variation 2664776 (VCV002664776.1), dbSNP rs762289372, ClinGen allele CA715581.

ClinVar aggregate classification (germline): Uncertain significance (1 of 4 stars; one submission).

Conditions:
AHDC1-related intellectual disability - obstructive sleep apnea - mild dysmorphism syndrome. Also called: Xia-Gibbs syndrome. Identifiers: Orphanet 412069, MedGen C4014419, MONDO:0014358, OMIM 615829.

Allele frequency attached by ClinVar (database versions not stated): ExAC 0.00001; TOPMed 0.00001; gnomAD exomes 0.00003.
gnomAD v4.1: 42 of 1,612,924 alleles (0.0026%); highest among the groups gnomAD compares: Non-Finnish European, 0.0031%; no homozygotes.

Submission:

Genetics and Molecular Pathology, SA Pathology
Classification: Uncertain significance for AHDC1-related intellectual disability - obstructive sleep apnea - mild dysmorphism syndrome. Last evaluated: 2023-03-22. Review status: criteria provided, single submitter. Criteria: ACMG Guidelines, 2015. Collection method: clinical testing. Allele origin: germline. Inheritance: Autosomal dominant inheritance. Affected: yes.
Comment: The AHDC1 c.3289G>A variant is classified as VUS (PM2, PP3) The AHDC1 c.3289G>A variant is a single nucleotide change in exon 8/9 of the AHDC1 gene, which is predicted to change the amino acid glutamic acid at position 1097 in the protein to lysine. This variant is absent from population databases (PM2). Computational predictions support a deleterious effect on the gene or gene product (PP3). The variant has been reported in dbSNP (rs762289372). It has not been reported in ClinVar or HGMD.